The following is an entry in ClinVar:

NM_000108.5(DLD):c.854C>G (p.Ser285Ter)

Gene: DLD (dihydrolipoamide dehydrogenase; plus strand). Cytogenetic location: 7q31.1.
Variant type: single nucleotide variant.
Coding change: c.854C>G on transcript NM_000108.5 (MANE Select); coding-DNA position 854, C replaced by G.
Protein change: p.Ser285Ter; replaces serine 285 with a stop codon.
Molecular consequence: nonsense.
Genome position (GRCh38, 1-based): chr7:107,915,675, C>G. VCF-style: chr7-107915675-C-G. GRCh37 (hg19) VCF-style: chr7-107556120-C-G.
Other names: c.557C>G, p.Ser186Ter (NM_001289750.1); c.785C>G, p.Ser262Ter (NM_001289751.1); c.710C>G, p.Ser237Ter (NM_001289752.1); short protein forms S262*, S285*, S186*, S237*.
Identifiers: ClinVar variation 2752254 (VCV002752254.3), dbSNP rs2535598922, ClinGen allele CA368857368.

ClinVar aggregate classification (germline): Pathogenic (1 of 4 stars; one submission).

Conditions:
Pyruvate dehydrogenase E3 deficiency (DLDD). Also called: Dihydrolipoamide Dehydrogenase E3 Deficiency; Dihydrolipoamide Dehydrogenase (E3) Deficiency; MAPLE SYRUP URINE DISEASE, TYPE III; DLD DEFICIENCY; E3 DEFICIENCY; Dihydrolipoamide Dehydrogenase Deficiency. Identifiers: Orphanet 2394, Orphanet 765, MedGen C5574660, MONDO:0009529, OMIM 246900.

Submission:

Labcorp Genetics (formerly Invitae), Labcorp
Classification: Pathogenic for Pyruvate dehydrogenase E3 deficiency. Last evaluated: 2023-08-11. Review status: criteria provided, single submitter. Criteria: Invitae Variant Classification Sherloc (09022015). Collection method: clinical testing. Allele origin: germline.
Comment: For these reasons, this variant has been classified as Pathogenic. This sequence change creates a premature translational stop signal (p.Ser285*) in the DLD gene. It is expected to result in an absent or disrupted protein product. Loss-of-function variants in DLD are known to be pathogenic (PMID: 8968745, 9934985). This variant is not present in population databases (gnomAD no frequency). This variant has not been reported in the literature in individuals affected with DLD-related conditions.

Literature cited by the submitters: PubMed 8968745; PubMed 9934985.